The following is an entry in ClinVar:

GRCh38/hg38 Xq13.3(chrX:75243922-75431414)x3

Genes: UPRT (uracil phosphoribosyltransferase homolog; plus strand), ZDHHC15 (zinc finger DHHC-type palmitoyltransferase 15; minus strand), LOC130068450 (ATAC-STARR-seq lymphoblastoid active region 29771; plus strand), LOC130068451 (ATAC-STARR-seq lymphoblastoid active region 29772; plus strand), LOC130068452 (ATAC-STARR-seq lymphoblastoid active region 29773; plus strand). Cytogenetic location: Xq13.3.
Variant type: copy number gain.
Change: copy number 3 of chrX:75,243,922-75,431,414 (187.5 kb, GRCh38 coordinates, 1-based), cytogenetic band Xq13.3.
Identifiers: ClinVar variation 149870 (VCV000149870.2).

ClinVar aggregate classification (germline): conflicting data from submitters (0 of 4 stars; one submission).

Submission:

ISCA site 1
Classification: conflicting data from submitters. Last evaluated: 2012-10-24. Review status: no assertion criteria provided. Collection method: clinical testing. Allele origin: paternal. Affected: yes. Observed: 2 variant alleles.
Comment: Uncertain significance(1), Likely benign (1)

Copy number variation identified through the course of routine clinical cytogenomic testing in postnatal populations, with clinical assertions as classified by the original submitter. For data from the original published study, Kaminsky, et al. 2011 (PubMed 21844811), please see nstd101.